The following is an entry in ClinVar:

ClinVar aggregate classification (germline): Uncertain significance (0 of 4 stars; one submission).

Conditions:
SLC20A2-related disorder. Also called: SLC20A2-related condition.

Submission:

PreventionGenetics, part of Exact Sciences
Classification: Uncertain significance for SLC20A2-related condition. Last evaluated: 2024-01-12. Review status: no assertion criteria provided. Collection method: clinical testing. Allele origin: germline.
Comment: The SLC20A2 c.176C>A variant is predicted to result in the amino acid substitution p.Ser59Tyr. To our knowledge, this variant has not been reported in the literature or in a large population database, indicating this variant is rare. At this time, the clinical significance of this variant is uncertain due to the absence of conclusive functional and genetic evidence.

NM_001257180.2(SLC20A2):c.176C>A (p.Ser59Tyr)

Gene: SLC20A2 (solute carrier family 20 member 2; minus strand). Cytogenetic location: 8p11.21.
Variant type: single nucleotide variant.
Coding change: c.176C>A on transcript NM_001257180.2 (MANE Select); coding-DNA position 176, C replaced by A.
Protein change: p.Ser59Tyr; replaces serine 59 with tyrosine.
Molecular consequence: missense variant.
Genome position (GRCh38, 1-based): chr8:42,472,215, G>T on the plus strand (C>A on the coding strand, the complement: SLC20A2 is on the minus strand). VCF-style: chr8-42472215-G-T. GRCh37 (hg19) VCF-style: chr8-42329733-G-T.
Other names: c.176C>A, p.Ser59Tyr (NM_001257181.2, NM_006749.5); short protein forms S59Y.
Identifiers: ClinVar variation 3029245 (VCV003029245.2), dbSNP rs778119473, ClinGen allele CA176002509.
Genomic context (GRCh38, chr8:42,472,215, plus strand): 5'-AGGTTCACGTCAATGATACCTTTGCGAATGGTTTCTCCTACTTTGGCGCCTAGTAACACG[G>T]AGCCGGTGGTTTCAAATATTGAAGCTAAAATGCATGCCTGCCTCAAGGTCACCACACCAG-3'
Protein context (NP_001244109.1, residues 49-69): ILASIFETTG[Ser59Tyr]VLLGAKVGET